The following is an entry in ClinVar:

NM_182961.4(SYNE1):c.12099C>T (p.His4033=)

Gene: SYNE1 (spectrin repeat containing nuclear envelope protein 1; minus strand). Cytogenetic location: 6q25.2.
Variant type: single nucleotide variant.
Coding change: c.12099C>T on transcript NM_182961.4 (MANE Select); coding-DNA position 12099, C replaced by T.
Protein change: p.His4033=; no amino-acid change (histidine 4033 retained).
Molecular consequence: synonymous variant.
Genome position (GRCh38, 1-based): chr6:152,344,207, G>A on the plus strand (C>T on the coding strand, the complement: SYNE1 is on the minus strand). VCF-style: chr6-152344207-G-A. GRCh37 (hg19) VCF-style: chr6-152665342-G-A.
Other names: c.11886C>T, p.His3962= (NM_033071.5); c.12099C>T (NM_182961.2).
Identifiers: ClinVar variation 290346 (VCV000290346.18), dbSNP rs375862387, ClinGen allele CA4056507.

ClinVar aggregate classification (germline): Conflicting classifications of pathogenicity. Review status: criteria provided, conflicting classifications (1 of 4 stars). 5 submissions from 4 submitters: Uncertain significance (2); Benign (1); Likely benign (2). Last evaluated 2025-09-02.

Conditions:
Autosomal recessive ataxia, Beauce type. Also called: Spinocerebellar ataxia, autosomal recessive 8; ATAXIA, RECESSIVE, OF BEAUCE; SYNE1 Deficiency; SYNE1-Related Autosomal Recessive Cerebellar Ataxia. Identifiers: Orphanet 88644, MedGen C1853116, MONDO:0012549, OMIM 610743.
Emery-Dreifuss muscular dystrophy 4, autosomal dominant (EDMD4). Also called: EMERY-DREIFUSS MUSCULAR DYSTROPHY 4 WITH VARIABLE FEATURES. Identifiers: Orphanet 261, MedGen C2751807, MONDO:0013071, OMIM 612998.

Allele frequency attached by ClinVar (database versions not stated): gnomAD exomes 0.00001 and 0.00003; gnomAD 0.00004 and 0.00005; ExAC 0.00005; TOPMed 0.00006; ESP Exome Variant Server 0.00008; 1000 Genomes Project 30x 0.00016; 1000 Genomes Project 0.00020.
gnomAD v4.1: 26 of 1,614,174 alleles (0.0016%); highest among the groups gnomAD compares: African/African-American, 0.012%; no homozygotes.

Submissions (5):

Labcorp Genetics (formerly Invitae), Labcorp
Classification: Likely benign for Emery-Dreifuss muscular dystrophy 4, autosomal dominant; Autosomal recessive ataxia, Beauce type. Last evaluated: 2025-09-02. Review status: criteria provided, single submitter. Criteria: Invitae Variant Classification Sherloc (09022015). Collection method: clinical testing. Allele origin: germline.

Athena Diagnostics
Classification: Likely benign. Last evaluated: 2024-12-17. Review status: criteria provided, single submitter. Criteria: Athena Diagnostics Criteria. Collection method: clinical testing. Allele origin: unknown.
Comment: Computational tools yielded predictions that this variant is unlikely to have an effect on normal RNA splicing. This nucleotide position exhibits low evolutionary conservation.

Illumina Laboratory Services, Illumina
Classification: Benign for Emery-Dreifuss muscular dystrophy 4, autosomal dominant. Last evaluated: 2018-01-12. Review status: criteria provided, single submitter. Criteria: ICSL Variant Classification Criteria 13 December 2019. Collection method: clinical testing. Allele origin: germline.
Comment: This variant was observed in the ICSL laboratory as part of a predisposition screen in an ostensibly healthy population. It had not been previously curated by ICSL or reported in the Human Gene Mutation Database (HGMD: prior to June 1st, 2018), and was therefore a candidate for classification through an automated scoring system. Utilizing variant allele frequency, disease prevalence and penetrance estimates, and inheritance mode, an automated score was calculated to assess if this variant is too frequent to cause the disease. Based on the score and internal cut-off values, a variant classified as benign is not then subjected to further curation. The score for this variant resulted in a classification of benign for this disease.

Illumina Laboratory Services, Illumina
Classification: Uncertain significance for Autosomal recessive ataxia, Beauce type. Last evaluated: 2018-01-12. Review status: criteria provided, single submitter. Criteria: ICSL Variant Classification Criteria 13 December 2019. Collection method: clinical testing. Allele origin: germline.

Eurofins Ntd Llc (ga)
Classification: Uncertain significance. Last evaluated: 2017-06-02. Review status: criteria provided, single submitter. Criteria: EGL Classification Definitions 2015. Collection method: clinical testing. Allele origin: germline. Observed: 3 variant alleles, 3 heterozygotes.